The following is an entry in ClinVar:

NM_021098.3(CACNA1H):c.1177T>C (p.Phe393Leu)

Gene: CACNA1H (calcium voltage-gated channel subunit alpha1 H; plus strand). Cytogenetic location: 16p13.3.
Variant type: single nucleotide variant.
Coding change: c.1177T>C on transcript NM_021098.3 (MANE Select); coding-DNA position 1177, T replaced by C.
Protein change: p.Phe393Leu; replaces phenylalanine 393 with leucine.
Molecular consequence: missense variant.
Genome position (GRCh38, 1-based): chr16:1,200,773, T>C. VCF-style: chr16-1200773-T-C. GRCh37 (hg19) VCF-style: chr16-1250773-T-C.
Other names: c.1177T>C (NM_021098.2); c.1177T>C, p.Phe393Leu (NM_001005407.2); short protein forms F393L.
Identifiers: ClinVar variation 1518738 (VCV001518738.9), dbSNP rs1383967941, ClinGen allele CA394158392.

ClinVar aggregate classification (germline): Uncertain significance. Review status: criteria provided, multiple submitters, no conflicts (2 of 4 stars). 2 submissions from 2 submitters: Uncertain significance (2). Last evaluated 2024-02-21.

Conditions:
Hyperaldosteronism, familial, type IV (HALD4). Also called: FH IV; ALDOSTERONISM, PRIMARY, AND HYPERTENSION. Identifiers: Orphanet 642671, MedGen C4310756, MONDO:0014875, OMIM 617027.
Idiopathic generalized epilepsy. Also called: Generalised epilepsy; EIG. Identifiers: MedGen C0270850, MONDO:0005579, OMIM 600669.
Inborn genetic diseases. Identifiers: MedGen C0950123, MeSH D030342.

Allele frequency attached by ClinVar (database versions not stated): TOPMed below 0.00001; gnomAD 0.00001.
gnomAD v4.1: 1 of 1,554,058 alleles (0.000064%); highest among the groups gnomAD compares: Non-Finnish European, 0.000087%; no homozygotes.

Submissions (2):

Ambry Genetics
Classification: Uncertain significance for Inborn genetic diseases. Last evaluated: 2024-02-21. Review status: criteria provided, single submitter. Criteria: Ambry Variant Classification Scheme 2023. Collection method: clinical testing. Allele origin: germline.

Labcorp Genetics (formerly Invitae), Labcorp
Classification: Uncertain significance for Idiopathic generalized epilepsy; Hyperaldosteronism, familial, type IV. Last evaluated: 2023-07-07. Review status: criteria provided, single submitter. Criteria: Invitae Variant Classification Sherloc (09022015). Collection method: clinical testing. Allele origin: germline.
Comment: This variant has not been reported in the literature in individuals affected with CACNA1H-related conditions. This variant is not present in population databases (gnomAD no frequency). This sequence change replaces phenylalanine, which is neutral and non-polar, with leucine, which is neutral and non-polar, at codon 393 of the CACNA1H protein (p.Phe393Leu). ClinVar contains an entry for this variant (Variation ID: 1518738). Advanced modeling of protein sequence and biophysical properties (such as structural, functional, and spatial information, amino acid conservation, physicochemical variation, residue mobility, and thermodynamic stability) has been performed at Invitae for this missense variant, however the output from this modeling did not meet the statistical confidence thresholds required to predict the impact of this variant on CACNA1H protein function. In summary, the available evidence is currently insufficient to determine the role of this variant in disease. Therefore, it has been classified as a Variant of Uncertain Significance.